The following is an entry in ClinVar:

ClinVar aggregate classification (germline): Pathogenic (1 of 4 stars; one submission).

Conditions:
Congenital disorder of glycosylation, type Iaa. Also called: Congenital disorder of glycosylation, type 1aa. Identifiers: MedGen C4310727, MONDO:0014904, OMIM 617082.

Submission:

Labcorp Genetics (formerly Invitae), Labcorp
Classification: Pathogenic for Congenital disorder of glycosylation, type Iaa. Last evaluated: 2025-08-13. Review status: criteria provided, single submitter. Criteria: Invitae Variant Classification Sherloc (09022015). Collection method: clinical testing. Allele origin: germline.
Comment: This sequence change creates a premature translational stop signal (p.Trp33*) in the NUS1 gene. It is expected to result in an absent or disrupted protein product. Loss-of-function variants in NUS1 are known to be pathogenic (PMID: 29100083). This variant is not present in population databases (gnomAD no frequency). This variant has not been reported in the literature in individuals affected with NUS1-related conditions. Algorithms developed to predict the effect of sequence changes on RNA splicing suggest that this variant may create or strengthen a splice site. For these reasons, this variant has been classified as Pathogenic.

Literature cited by the submitters: PubMed 29100083.

NM_138459.5(NUS1):c.98G>A (p.Trp33Ter)

Gene: NUS1 (NUS1 dehydrodolichyl diphosphate synthase subunit; plus strand). Cytogenetic location: 6q22.1.
Variant type: single nucleotide variant.
Coding change: c.98G>A on transcript NM_138459.5 (MANE Select); coding-DNA position 98, G replaced by A.
Protein change: p.Trp33Ter; replaces tryptophan 33 with a stop codon.
Molecular consequence: nonsense.
Genome position (GRCh38, 1-based): chr6:117,675,768, G>A. VCF-style: chr6-117675768-G-A. GRCh37 (hg19) VCF-style: chr6-117996931-G-A.
Other names: short protein forms W33*.
Identifiers: ClinVar variation 4725352 (VCV004725352.1).